The following is an entry in ClinVar:

ClinVar aggregate classification (germline): Benign/Likely benign. Review status: criteria provided, multiple submitters, no conflicts (2 of 4 stars). 3 submissions from 3 submitters: Benign (1); Likely benign (2). Last evaluated 2026-07-16.

Conditions:
Hereditary cancer-predisposing syndrome. Also called: Neoplastic Syndromes, Hereditary; Tumor predisposition; Hereditary Cancer Syndrome; Hereditary neoplastic syndrome. Identifiers: Orphanet 140162, MedGen C0027672, MeSH D009386, MONDO:0015356.
Rhabdoid tumor predisposition syndrome 2 (RTPS2). Identifiers: Orphanet 231108, Orphanet 69077, MedGen C2750074, MONDO:0013224, OMIM 613325.

Allele frequency attached by ClinVar (database versions not stated): gnomAD exomes below 0.00001.
gnomAD v4.1: 3 of 1,611,530 alleles (0.00019%); highest among the groups gnomAD compares: Non-Finnish European, 0.00025%; no homozygotes.

Submissions (3):

Myriad Genetics, Inc.
Classification: Benign for Rhabdoid tumor predisposition syndrome 2. Last evaluated: 2026-07-16. Review status: criteria provided, single submitter. Criteria: Myriad Autosomal Dominant, Autosomal Recessive and X-Linked Classification Criteria (2023). Collection method: clinical testing. Allele origin: unknown.
Comment: This variant is considered benign. This variant is a silent/synonymous amino acid change and it is not expected to impact splicing.

Ambry Genetics
Classification: Likely benign for Hereditary cancer-predisposing syndrome. Last evaluated: 2023-05-27. Review status: criteria provided, single submitter. Criteria: Ambry Variant Classification Scheme 2023. Collection method: clinical testing. Allele origin: germline.

Labcorp Genetics (formerly Invitae), Labcorp
Classification: Likely benign for Rhabdoid tumor predisposition syndrome 2. Last evaluated: 2022-03-15. Review status: criteria provided, single submitter. Criteria: Invitae Variant Classification Sherloc (09022015). Collection method: clinical testing. Allele origin: germline.

NM_003072.5(SMARCA4):c.4167C>T (p.Leu1389=)

Gene: SMARCA4 (SWI/SNF related BAF chromatin remodeling complex subunit ATPase 4; plus strand). Cytogenetic location: 19p13.2.
Variant type: single nucleotide variant.
Coding change: c.4167C>T on transcript NM_003072.5 (MANE Select); coding-DNA position 4167, C replaced by T.
Protein change: p.Leu1389=; no amino-acid change (leucine 1389 retained).
Molecular consequence: synonymous variant. On other transcripts: non-coding transcript variant (1).
Genome position (GRCh38, 1-based): chr19:11,035,129, C>T. VCF-style: chr19-11035129-C-T. GRCh37 (hg19) VCF-style: chr19-11145805-C-T.
Other names: c.4167C>T (NM_001128849.1); c.4167C>T, p.Leu1389= (NM_001128844.3, NM_001128849.3, NM_001387283.1); c.4068C>T, p.Leu1356= (NM_001128845.2, NM_001128846.2, NM_001128847.4 and 3 more transcripts).
Identifiers: ClinVar variation 2112794 (VCV002112794.7), dbSNP rs916888114, ClinGen allele CA305291564.